The following is an entry in ClinVar:

ClinVar aggregate classification (germline): Uncertain significance (1 of 4 stars; one submission).

gnomAD v4.1: 1 of 1,614,160 alleles (0.000062%); highest among the groups gnomAD compares: Middle Eastern, 0.016%; no homozygotes.

Submission:

Labcorp Genetics (formerly Invitae), Labcorp
Classification: Uncertain significance. Last evaluated: 2024-04-18. Review status: criteria provided, single submitter. Criteria: Invitae Variant Classification Sherloc (09022015). Collection method: clinical testing. Allele origin: germline.
Comment: This sequence change replaces aspartic acid, which is acidic and polar, with valine, which is neutral and non-polar, at codon 475 of the VCAN protein (p.Asp475Val). This variant is not present in population databases (gnomAD no frequency). This variant has not been reported in the literature in individuals affected with VCAN-related conditions. An algorithm developed to predict the effect of missense changes on protein structure and function (PolyPhen-2) suggests that this variant is likely to be disruptive. In summary, the available evidence is currently insufficient to determine the role of this variant in disease. Therefore, it has been classified as a Variant of Uncertain Significance.

NM_004385.5(VCAN):c.1424A>T (p.Asp475Val)

Gene: VCAN (versican; plus strand). Cytogenetic location: 5q14.3.
Variant type: single nucleotide variant.
Coding change: c.1424A>T on transcript NM_004385.5 (MANE Select); coding-DNA position 1424, A replaced by T.
Protein change: p.Asp475Val; replaces aspartic acid 475 with valine.
Molecular consequence: missense variant. On other transcripts: intron variant (2).
Genome position (GRCh38, 1-based): chr5:83,519,730, A>T. VCF-style: chr5-83519730-A-T. GRCh37 (hg19) VCF-style: chr5-82815549-A-T.
Other names: c.1424A>T, p.Asp475Val (NM_001164098.2); c.1042+7334A>T (NM_001164097.2, NM_001126336.3); short protein forms D475V.
Identifiers: ClinVar variation 3694884 (VCV003694884.2).